The following is an entry in ClinVar:

ClinVar aggregate classification (germline): Uncertain significance (1 of 4 stars; one submission).

Conditions:
Hypertrophic cardiomyopathy. Also called: HYPERTROPHIC MYOCARDIOPATHY. Identifiers: Orphanet 217569, MedGen C0007194, MeSH D002312, MONDO:0005045, HP:0001639.

Submission:

Labcorp Genetics (formerly Invitae), Labcorp
Classification: Uncertain significance for Hypertrophic cardiomyopathy. Last evaluated: 2017-09-15. Review status: criteria provided, single submitter. Criteria: Invitae Variant Classification Sherloc (09022015). Collection method: clinical testing. Allele origin: germline.
Comment: This sequence change creates a premature translational stop signal (p.Glu1033*) in the MYOM1 gene. It is expected to result in an absent or disrupted protein product. This variant is not present in population databases (ExAC no frequency). This variant has not been reported in the literature in individuals with MYOM1-related disease. The current clinical and genetic evidence is not sufficient to establish whether loss-of-function variants in MYOM1 cause disease. In summary, the available evidence is currently insufficient to determine the role of this variant in disease. Therefore, it has been classified as a Variant of Uncertain Significance.

NM_003803.4(MYOM1):c.3097G>T (p.Glu1033Ter)

Gene: MYOM1 (myomesin 1; minus strand). Cytogenetic location: 18p11.31.
Variant type: single nucleotide variant.
Coding change: c.3097G>T on transcript NM_003803.4 (MANE Select); coding-DNA position 3097, G replaced by T.
Protein change: p.Glu1033Ter; replaces glutamic acid 1033 with a stop codon.
Molecular consequence: nonsense.
Genome position (GRCh38, 1-based): chr18:3,119,890, C>A on the plus strand (G>T on the coding strand, the complement: MYOM1 is on the minus strand). VCF-style: chr18-3119890-C-A. GRCh37 (hg19) VCF-style: chr18-3119888-C-A.
Other names: c.2809G>T, p.Glu937Ter (NM_019856.2); short protein forms E1033*, E937*.
Identifiers: ClinVar variation 524938 (VCV000524938.1), dbSNP rs377512048, ClinGen allele CA401706822.